The following is an entry in ClinVar:

ClinVar aggregate classification (germline): Benign/Likely benign. Review status: criteria provided, multiple submitters, no conflicts (2 of 4 stars). 8 submissions from 8 submitters: Benign (3); Likely benign (3). 2 of the submissions do not count toward it. Last evaluated 2026-01-28.

Conditions:
Mulibrey nanism syndrome. Also called: MUSCLE-LIVER-BRAIN-EYE NANISM; PERHEENTUPA SYNDROME; PERICARDIAL CONSTRICTION AND GROWTH FAILURE. Identifiers: Orphanet 2576, MedGen C0524582, MONDO:0009664, OMIM 253250.

Allele frequency attached by ClinVar (database versions not stated): TOPMed 0.01059; gnomAD 0.01135 and 0.01208; 1000 Genomes Project 30x 0.01171; ESP Exome Variant Server 0.01176; 1000 Genomes Project 0.01258; gnomAD exomes 0.01462 and 0.01688; ExAC 0.01695.
gnomAD v4.1: 23,315 of 1,613,316 alleles (1.4%); highest among the groups gnomAD compares: Middle Eastern, 5.5%; 292 homozygotes.

Submissions (8):

Labcorp Genetics (formerly Invitae), Labcorp
Classification: Benign. Last evaluated: 2026-01-28. Review status: criteria provided, single submitter. Criteria: Invitae Variant Classification Sherloc (09022015). Collection method: clinical testing. Allele origin: germline.

Blueprint Genetics
Classification: Likely benign. Last evaluated: 2024-11-27. Review status: criteria provided, single submitter. Criteria: ACMG Guidelines, 2015. Collection method: clinical testing. Allele origin: germline.

GeneDx
Classification: Likely benign. Last evaluated: 2019-03-10. Review status: criteria provided, single submitter. Criteria: GeneDx Variant Classification Process June 2021. Collection method: clinical testing. Allele origin: germline. Affected: yes.

Mayo Clinic Laboratories, Mayo Clinic
Classification: Benign. Last evaluated: 2018-10-30. Review status: criteria provided, single submitter. Criteria: ACMG Guidelines, 2015. Collection method: clinical testing. Allele origin: germline. Observed: 13 variant alleles.

Illumina Laboratory Services, Illumina
Classification: Benign for Mulibrey nanism syndrome. Last evaluated: 2018-01-13. Review status: criteria provided, single submitter. Criteria: ICSL Variant Classification Criteria 13 December 2019. Collection method: clinical testing. Allele origin: germline.
Comment: This variant was observed in the ICSL laboratory as part of a predisposition screen in an ostensibly healthy population. It had not been previously curated by ICSL or reported in the Human Gene Mutation Database (HGMD: prior to June 1st, 2018), and was therefore a candidate for classification through an automated scoring system. Utilizing variant allele frequency, disease prevalence and penetrance estimates, and inheritance mode, an automated score was calculated to assess if this variant is too frequent to cause the disease. Based on the score and internal cut-off values, a variant classified as benign is not then subjected to further curation. The score for this variant resulted in a classification of benign for this disease.

Breakthrough Genomics
Classification: Likely benign. Review status: criteria provided, single submitter. Criteria: ACMG Guidelines, 2015. Collection method: not provided. Allele origin: germline. Inheritance: Autosomal recessive inheritance. Affected: yes.

Genome Diagnostics Laboratory, Amsterdam University Medical Center
Classification: Benign. Review status: no assertion criteria provided. Collection method: clinical testing. Allele origin: germline. Affected: yes. Study: VKGL Data-share Consensus. Not counted in ClinVar's aggregate classification.

Laboratory of Diagnostic Genome Analysis, Leiden University Medical Center (LUMC)
Classification: Likely benign. Review status: no assertion criteria provided. Collection method: clinical testing. Allele origin: germline. Affected: yes. Study: VKGL Data-share Consensus. Not counted in ClinVar's aggregate classification.

NM_015294.6(TRIM37):c.861-6C>T

Gene: TRIM37 (tripartite motif containing 37; minus strand). Cytogenetic location: 17q22.
Variant type: single nucleotide variant.
Coding change: c.861-6C>T on transcript NM_015294.6 (MANE Select); 6 bases into the intron before coding-DNA position 861, C replaced by T.
Molecular consequence: intron variant.
Genome position (GRCh38, 1-based): chr17:59,062,654, G>A on the plus strand (C>T on the coding strand, the complement: TRIM37 is on the minus strand). VCF-style: chr17-59062654-G-A. GRCh37 (hg19) VCF-style: chr17-57140015-G-A.
Other names: p.?; c.861-6C>T (NM_001320989.3, NM_001005207.5, NM_001320988.3 and 1 more transcripts); c.399-6C>T (NM_001353085.2); c.759-6C>T (NM_001320987.3, NM_001353082.2); c.810-6C>T (NM_001353086.2); c.126-6C>T (NM_001353083.2); c.495-6C>T (NM_001320990.3).
Identifiers: ClinVar variation 324204 (VCV000324204.18), dbSNP rs145324030, ClinGen allele CA8678476.